The following is an entry in ClinVar:

NM_002332.3(LRP1):c.6149G>A (p.Ser2050Asn)

Gene: LRP1 (LDL receptor related protein 1; plus strand). Cytogenetic location: 12q13.3.
Variant type: single nucleotide variant.
Coding change: c.6149G>A on transcript NM_002332.3 (MANE Select); coding-DNA position 6149, G replaced by A.
Protein change: p.Ser2050Asn; replaces serine 2050 with asparagine.
Molecular consequence: missense variant.
Genome position (GRCh38, 1-based): chr12:57,184,415, G>A. VCF-style: chr12-57184415-G-A. GRCh37 (hg19) VCF-style: chr12-57578198-G-A.
Other names: short protein forms S2050N.
Identifiers: ClinVar variation 4975163 (VCV004975163.1).

ClinVar aggregate classification (germline): Uncertain significance (1 of 4 stars; one submission).

Submission:

GeneDx
Classification: Uncertain significance. Last evaluated: 2025-07-01. Review status: criteria provided, single submitter. Criteria: GeneDx Variant Classification Process June 2021. Collection method: clinical testing. Allele origin: germline.
Comment: Not observed at significant frequency in large population cohorts (gnomAD); In silico analysis suggests that this missense variant does not alter protein structure/function; Has not been previously published as pathogenic or benign to our knowledge; Variants in candidate genes are classified as variants of uncertain significance in accordance with ACMG guidelines (PMID: 25741868)